The following is an entry in ClinVar:

ClinVar aggregate classification (germline): Uncertain significance (1 of 4 stars; one submission).

Conditions:
Hyperekplexia 2 (HKPX2). Identifiers: Orphanet 3197, MedGen C3553291, MONDO:0013828, OMIM 614619.

Submission:

Labcorp Genetics (formerly Invitae), Labcorp
Classification: Uncertain significance for Hyperekplexia 2. Last evaluated: 2023-07-17. Review status: criteria provided, single submitter. Criteria: Invitae Variant Classification Sherloc (09022015). Collection method: clinical testing. Allele origin: germline.
Comment: This variant results in a copy number gain of the genomic region encompassing exon(s) 2-4 of the GLRB gene. This region includes the initiator codon of the gene. This copy number gain extends beyond the assayed region for this gene and therefore may encompass additional genes. As the precise location of this event is unknown, it may be in tandem or it may be located elsewhere in the genome. This variant has not been reported in the literature in individuals affected with GLRB-related conditions. Experimental studies and prediction algorithms are not available or were not evaluated, and the functional significance of this variant is currently unknown. In summary, the available evidence is currently insufficient to determine the role of this variant in disease. Therefore, it has been classified as a Variant of Uncertain Significance.

NC_000004.11:g.(?_157999177)_(158043569_?)dup

Gene: GLRB (glycine receptor beta; plus strand). Cytogenetic location: 4q32.1.
Variant type: Duplication.
Identifiers: ClinVar variation 1439104 (VCV001439104.5).